The following is an entry in ClinVar:

ClinVar aggregate classification (germline): Uncertain significance. Review status: criteria provided, multiple submitters, no conflicts (2 of 4 stars). 3 submissions from 3 submitters: Uncertain significance (3). Last evaluated 2026-01-21.

Allele frequency attached by ClinVar (database versions not stated): TOPMed 0.00004; gnomAD 0.00005; gnomAD exomes 0.00005 and 0.00019; ExAC 0.00006; ESP Exome Variant Server 0.00008; 1000 Genomes Project 30x 0.00016; 1000 Genomes Project 0.00020.
gnomAD v4.1: 278 of 1,614,224 alleles (0.017%); highest among the groups gnomAD compares: Non-Finnish European, 0.022%; no homozygotes.

Submissions (3):

Labcorp Genetics (formerly Invitae), Labcorp
Classification: Uncertain significance. Last evaluated: 2026-01-21. Review status: criteria provided, single submitter. Criteria: Invitae Variant Classification Sherloc (09022015). Collection method: clinical testing. Allele origin: germline.
Comment: This sequence change replaces arginine, which is basic and polar, with glutamine, which is neutral and polar, at codon 1697 of the SPTB protein (p.Arg1697Gln). This variant is present in population databases (rs199551302, gnomAD 0.02%). This variant has not been reported in the literature in individuals affected with SPTB-related conditions. ClinVar contains an entry for this variant (Variation ID: 811619). An algorithm developed to predict the effect of missense changes on protein structure and function (PolyPhen-2) suggests that this variant is likely to be disruptive. In summary, the available evidence is currently insufficient to determine the role of this variant in disease. Therefore, it has been classified as a Variant of Uncertain Significance.

Revvity Omics, Revvity
Classification: Uncertain significance. Last evaluated: 2024-02-21. Review status: criteria provided, single submitter. Criteria: ACMG Guidelines, 2015. Collection method: clinical testing. Allele origin: germline.

ARUP Laboratories, Molecular Genetics and Genomics, ARUP Laboratories
Classification: Uncertain significance. Last evaluated: 2018-08-22. Review status: criteria provided, single submitter. Criteria: ARUP Molecular Germline Variant Investigation Process. Collection method: clinical testing. Allele origin: germline.

NM_001355436.2(SPTB):c.5090G>A (p.Arg1697Gln)

Gene: SPTB (spectrin beta, erythrocytic; minus strand). Cytogenetic location: 14q23.3.
Variant type: single nucleotide variant.
Coding change: c.5090G>A on transcript NM_001355436.2 (MANE Select); coding-DNA position 5090, G replaced by A.
Protein change: p.Arg1697Gln; replaces arginine 1697 with glutamine.
Molecular consequence: missense variant.
Genome position (GRCh38, 1-based): chr14:64,773,308, C>T on the plus strand (G>A on the coding strand, the complement: SPTB is on the minus strand). VCF-style: chr14-64773308-C-T. GRCh37 (hg19) VCF-style: chr14-65240026-C-T.
Other names: c.5090G>A, p.Arg1697Gln (NM_001024858.4, NM_001355437.2); short protein forms R1697Q.
Identifiers: ClinVar variation 811619 (VCV000811619.10), dbSNP rs199551302, ClinGen allele CA7230074.
Genomic context (GRCh38, chr14:64,773,308, plus strand): 5'-TCCGGGGAAGAGGCCACTAGCTCCTTTTCTGAAATCCACTGCTCCAGGTCGTCGGTCTCC[C>T]GCTTGAGCTGGAACAGGTGGTACATGTTCTCCAGCTTGCGCTTGCGCTCTTCCGCCACGT-3'
Protein context (NP_001342365.1, residues 1687-1707): ENMYHLFQLK[Arg1697Gln]ETDDLEQWIS